The following is an entry in ClinVar:

NM_014159.7(SETD2):c.7469G>T (p.Arg2490Leu)

Gene: SETD2 (SET domain containing 2, histone lysine methyltransferase; minus strand). Cytogenetic location: 3p21.31.
Variant type: single nucleotide variant.
Coding change: c.7469G>T on transcript NM_014159.7 (MANE Select); coding-DNA position 7469, G replaced by T.
Protein change: p.Arg2490Leu; replaces arginine 2490 with leucine.
Molecular consequence: missense variant. On other transcripts: non-coding transcript variant (1).
Genome position (GRCh38, 1-based): chr3:47,017,702, C>A on the plus strand (G>T on the coding strand, the complement: SETD2 is on the minus strand). VCF-style: chr3-47017702-C-A. GRCh37 (hg19) VCF-style: chr3-47059192-C-A.
Other names: c.7337G>T, p.Arg2446Leu (NM_001349370.3); short protein forms R2446L, R2490L.
Identifiers: ClinVar variation 3768933 (VCV003768933.1).

ClinVar aggregate classification (germline): Uncertain significance (1 of 4 stars; one submission).

gnomAD v4.1: 1 of 1,613,928 alleles (0.000062%); no homozygotes.

Submission:

Women's Health and Genetics/Laboratory Corporation of America, LabCorp
Classification: Uncertain significance. Last evaluated: 2025-02-19. Review status: criteria provided, single submitter. Criteria: LabCorp Variant Classification Summary - May 2015. Collection method: clinical testing. Allele origin: germline.
Comment: Variant summary: SETD2 c.7469G>T (p.Arg2490Leu) results in a non-conservative amino acid change located in the SRI (Set2 Rpb1 interacting) domain (IPR013257) of the encoded protein sequence. Five of five in-silico tools predict a damaging effect of the variant on protein function. The variant was absent in 251366 control chromosomes (gnomAD). The available data on variant occurrences in the general population are insufficient to allow any conclusion about variant significance. To our knowledge, no occurrence of c.7469G>T in individuals affected with Luscan-Lumish Syndrome and no experimental evidence demonstrating its impact on protein function have been reported. No submitters have cited clinical-significance assessments for this variant to ClinVar. Based on the evidence outlined above, the variant was classified as uncertain significance.